The following is an entry in ClinVar:

NM_004006.3(DMD):c.3452C>G (p.Ala1151Gly)

Gene: DMD (dystrophin; minus strand). Cytogenetic location: Xp21.1.
Variant type: single nucleotide variant.
Coding change: c.3452C>G on transcript NM_004006.3 (MANE Select); coding-DNA position 3452, C replaced by G.
Protein change: p.Ala1151Gly; replaces alanine 1151 with glycine.
Molecular consequence: missense variant.
Genome position (GRCh38, 1-based): chrX:32,454,813, G>C on the plus strand (C>G on the coding strand, the complement: DMD is on the minus strand). VCF-style: chrX-32454813-G-C. GRCh37 (hg19) VCF-style: chrX-32472930-G-C.
Other names: c.3428C>G, p.Ala1143Gly (NM_000109.4); c.3440C>G, p.Ala1147Gly (NM_004009.3); c.3083C>G, p.Ala1028Gly (NM_004010.3); short protein forms A1143G, A1147G, A1151G, A1028G.
Identifiers: ClinVar variation 3669788 (VCV003669788.2).

ClinVar aggregate classification (germline): Uncertain significance (1 of 4 stars; one submission).

Conditions:
Duchenne muscular dystrophy (DMD). Also called: MUSCULAR DYSTROPHY, PSEUDOHYPERTROPHIC PROGRESSIVE, DUCHENNE TYPE; Duchenne Muscular Dystrophy (DMD). Identifiers: Orphanet 98896, MedGen C0013264, MONDO:0010679, OMIM 310200.

Submission:

Labcorp Genetics (formerly Invitae), Labcorp
Classification: Uncertain significance for Duchenne muscular dystrophy. Last evaluated: 2024-10-16. Review status: criteria provided, single submitter. Criteria: Invitae Variant Classification Sherloc (09022015). Collection method: clinical testing. Allele origin: germline.
Comment: This sequence change replaces alanine, which is neutral and non-polar, with glycine, which is neutral and non-polar, at codon 1151 of the DMD protein (p.Ala1151Gly). This variant is not present in population databases (gnomAD no frequency). This variant has not been reported in the literature in individuals affected with DMD-related conditions. Invitae Evidence Modeling of protein sequence and biophysical properties (such as structural, functional, and spatial information, amino acid conservation, physicochemical variation, residue mobility, and thermodynamic stability) indicates that this missense variant is not expected to disrupt DMD protein function with a negative predictive value of 95%. In summary, the available evidence is currently insufficient to determine the role of this variant in disease. Therefore, it has been classified as a Variant of Uncertain Significance.